The following is an entry in ClinVar:

ClinVar aggregate classification (germline): Uncertain significance (1 of 4 stars; one submission).

Conditions:
Brugada syndrome. Also called: Sudden unexplained nocturnal death syndrome; Sudden Unexplained Death Syndrome; Sudden Unexplained Nocturnal Death Syndrome (SUNDS); Sudden unexpected nocturnal death syndrome. Identifiers: Orphanet 130, MedGen C1142166, MONDO:0015263.

Submission:

Labcorp Genetics (formerly Invitae), Labcorp
Classification: Uncertain significance for Brugada syndrome. Last evaluated: 2023-08-17. Review status: criteria provided, single submitter. Criteria: Invitae Variant Classification Sherloc (09022015). Collection method: clinical testing. Allele origin: germline.
Comment: This variant results in a copy number gain of the genomic region encompassing exon(s) 9 of the SLMAP gene. While the exact position of this variant cannot be determined from the data, sub-genic copy number gains are generally in tandem (PMID: 25640679). This variant is predicted to be in-frame, and likely preserves the integrity of the reading frame. This variant has not been reported in the literature in individuals affected with SLMAP-related conditions. Experimental studies and prediction algorithms are not available or were not evaluated, and the functional significance of this variant is currently unknown. In summary, the available evidence is currently insufficient to determine the role of this variant in disease. Therefore, it has been classified as a Variant of Uncertain Significance.

Literature cited by the submitters: PubMed 25640679.

NC_000003.11:g.(?_57847666)_(57847823_?)dup

Gene: SLMAP (sarcolemma associated protein; plus strand). Cytogenetic location: 3p14.3.
Variant type: Duplication.
Identifiers: ClinVar variation 1437030 (VCV001437030.4).